The following is an entry in ClinVar:

ClinVar aggregate classification (germline): Likely benign. Review status: criteria provided, single submitter (1 of 4 stars). 2 submissions from 2 submitters: Likely benign (1). 1 of the submissions does not count toward it. Last evaluated 2024-11-05.

Conditions:
CEP164-related disorder. Also called: CEP164-related condition.
Nephronophthisis 15 (NPHP15). Identifiers: Orphanet 3156, MedGen C3541853, MONDO:0013917, OMIM 614845.

gnomAD v4.1: 14 of 1,614,044 alleles (0.00087%); highest among the groups gnomAD compares: Non-Finnish European, 0.0011%; no homozygotes.

Submissions (2):

Labcorp Genetics (formerly Invitae), Labcorp
Classification: Likely benign for Nephronophthisis 15. Last evaluated: 2024-11-05. Review status: criteria provided, single submitter. Criteria: Invitae Variant Classification Sherloc (09022015). Collection method: clinical testing. Allele origin: germline.

PreventionGenetics, part of Exact Sciences
Classification: Likely benign for CEP164-related condition. Last evaluated: 2024-08-24. Review status: no assertion criteria provided. Collection method: clinical testing. Allele origin: germline. Not counted in ClinVar's aggregate classification.
Comment: This variant is classified as likely benign based on ACMG/AMP sequence variant interpretation guidelines (Richards et al. 2015 PMID: 25741868, with internal and published modifications).

NM_014956.5(CEP164):c.3435G>T (p.Ala1145=)

Gene: CEP164 (centrosomal protein 164; plus strand). Cytogenetic location: 11q23.3.
Variant type: single nucleotide variant.
Coding change: c.3435G>T on transcript NM_014956.5 (MANE Select); coding-DNA position 3435, G replaced by T.
Protein change: p.Ala1145=; no amino-acid change (alanine 1145 retained).
Molecular consequence: synonymous variant.
Genome position (GRCh38, 1-based): chr11:117,397,247, G>T. VCF-style: chr11-117397247-G-T. GRCh37 (hg19) VCF-style: chr11-117267963-G-T.
Other names: c.3444G>T, p.Ala1148= (NM_001271933.2); c.3435G>T (NM_014956.4).
Identifiers: ClinVar variation 1609115 (VCV001609115.9), dbSNP rs149964584, ClinGen allele CA476898589.
Genomic context (GRCh38, chr11:117,397,247, plus strand): 5'-GAGGCGGCAGACAGCTCTGAAAGCTGCCCAGCAGCATTGGCGCCATGAGCTGGCCAGTGC[G>T]CAGGAGGTGGCCAAAGACCCACCAGGCATCAAGGCCCTGGAAGATATGCGCAAGAACCTG-3'
Protein context (NP_055771.4, residues 1135-1155): QQHWRHELAS[Ala1145=]QEVAKDPPGI